The following is an entry in ClinVar:

ClinVar aggregate classification (germline): Conflicting classifications of pathogenicity. Review status: criteria provided, conflicting classifications (1 of 4 stars). 2 submissions from 2 submitters: Uncertain significance (1); Likely benign (1). Last evaluated 2025-09-02.

Conditions:
Inborn genetic diseases. Identifiers: MedGen C0950123, MeSH D030342.

Allele frequency attached by ClinVar (database versions not stated): ExAC 0.00001; gnomAD exomes 0.00001.
gnomAD v4.1: 20 of 1,614,000 alleles (0.0012%); highest among the groups gnomAD compares: African/African-American, 0.004%; no homozygotes.

Submissions (2):

Labcorp Genetics (formerly Invitae), Labcorp
Classification: Uncertain significance. Last evaluated: 2025-09-02. Review status: criteria provided, single submitter. Criteria: Invitae Variant Classification Sherloc (09022015). Collection method: clinical testing. Allele origin: germline.
Comment: This sequence change replaces leucine, which is neutral and non-polar, with serine, which is neutral and polar, at codon 656 of the SETD5 protein (p.Leu656Ser). This variant is present in population databases (rs768750924, gnomAD 0.003%). This variant has not been reported in the literature in individuals affected with SETD5-related conditions. ClinVar contains an entry for this variant (Variation ID: 1432732). Invitae Evidence Modeling of protein sequence and biophysical properties (such as structural, functional, and spatial information, amino acid conservation, physicochemical variation, residue mobility, and thermodynamic stability) indicates that this missense variant is not expected to disrupt SETD5 protein function with a negative predictive value of 80%. In summary, the available evidence is currently insufficient to determine the role of this variant in disease. Therefore, it has been classified as a Variant of Uncertain Significance.

Ambry Genetics
Classification: Likely benign for Inborn genetic diseases. Last evaluated: 2025-01-22. Review status: criteria provided, single submitter. Criteria: Ambry Variant Classification Scheme 2023. Collection method: clinical testing. Allele origin: germline.

NM_001080517.3(SETD5):c.1967T>C (p.Leu656Ser)

Gene: SETD5 (SET domain containing 5; plus strand). Cytogenetic location: 3p25.3.
Variant type: single nucleotide variant.
Coding change: c.1967T>C on transcript NM_001080517.3 (MANE Select); coding-DNA position 1967, T replaced by C.
Protein change: p.Leu656Ser; replaces leucine 656 with serine.
Molecular consequence: missense variant.
Genome position (GRCh38, 1-based): chr3:9,447,870, T>C. VCF-style: chr3-9447870-T-C. GRCh37 (hg19) VCF-style: chr3-9489554-T-C.
Other names: c.1673T>C, p.Leu558Ser (NM_001292043.2, NM_001349451.2); c.1967T>C (NM_001080517.1); short protein forms L558S, L656S.
Identifiers: ClinVar variation 1432732 (VCV001432732.7), dbSNP rs768750924, ClinGen allele CA2239330.
Genomic context (GRCh38, chr3:9,447,870, plus strand): 5'-CCAATGCACAGCAGGCAGAATTGTCACAAGCTGCCTTGGAAGAGGGAGGAAGTAACAGTT[T>C]AGTAACTCCTACTGAAGCTGGAAGTCTAGACAGTTCAGGAGAAAACAGGCCATTAACAGG-3'
Protein context (NP_001073986.1, residues 646-666): AALEEGGSNS[Leu656Ser]VTPTEAGSLD